The following is an entry in ClinVar:

ClinVar aggregate classification (germline): Uncertain significance (1 of 4 stars; one submission).

Submission:

GeneDx
Classification: Uncertain significance. Last evaluated: 2023-04-03. Review status: criteria provided, single submitter. Criteria: GeneDx Variant Classification Process June 2021. Collection method: clinical testing. Allele origin: germline. Affected: yes.
Comment: Not observed at significant frequency in large population cohorts (gnomAD); In silico analysis supports that this missense variant does not alter protein structure/function; Has not been previously published as pathogenic or benign to our knowledge

NM_002249.6(KCNN3):c.460C>T (p.Arg154Trp)

Gene: KCNN3 (potassium calcium-activated channel subfamily N member 3; minus strand). Cytogenetic location: 1q21.3.
Variant type: single nucleotide variant.
Coding change: c.460C>T on transcript NM_002249.6 (MANE Select); coding-DNA position 460, C replaced by T.
Protein change: p.Arg154Trp; replaces arginine 154 with tryptophan.
Molecular consequence: missense variant.
Genome position (GRCh38, 1-based): chr1:154,869,505, G>A on the plus strand (C>T on the coding strand, the complement: KCNN3 is on the minus strand). VCF-style: chr1-154869505-G-A. GRCh37 (hg19) VCF-style: chr1-154841981-G-A.
Other names: c.460C>T, p.Arg154Trp (NM_001204087.2); short protein forms R154W.
Identifiers: ClinVar variation 2662433 (VCV002662433.1), dbSNP rs759272043, ClinGen allele CA342633369.